The following is an entry in ClinVar:

ClinVar aggregate classification (germline): Uncertain significance (1 of 4 stars; one submission).

Submission:

Labcorp Genetics (formerly Invitae), Labcorp
Classification: Uncertain significance. Last evaluated: 2022-03-13. Review status: criteria provided, single submitter. Criteria: Invitae Variant Classification Sherloc (09022015). Collection method: clinical testing. Allele origin: germline.
Comment: In summary, the available evidence is currently insufficient to determine the role of this variant in disease. Therefore, it has been classified as a Variant of Uncertain Significance. Advanced modeling of protein sequence and biophysical properties (such as structural, functional, and spatial information, amino acid conservation, physicochemical variation, residue mobility, and thermodynamic stability) performed at Invitae indicates that this missense variant is not expected to disrupt CACNA1B protein function. This variant has not been reported in the literature in individuals affected with CACNA1B-related conditions. This variant is not present in population databases (gnomAD no frequency). This sequence change replaces valine, which is neutral and non-polar, with methionine, which is neutral and non-polar, at codon 1828 of the CACNA1B protein (p.Val1828Met).

NM_000718.4(CACNA1B):c.5482G>A (p.Val1828Met)

Gene: CACNA1B (calcium voltage-gated channel subunit alpha1 B; plus strand). Cytogenetic location: 9q34.3.
Variant type: single nucleotide variant.
Coding change: c.5482G>A on transcript NM_000718.4 (MANE Select); coding-DNA position 5482, G replaced by A.
Protein change: p.Val1828Met; replaces valine 1828 with methionine.
Molecular consequence: missense variant.
Genome position (GRCh38, 1-based): chr9:138,112,451, G>A. VCF-style: chr9-138112451-G-A. GRCh37 (hg19) VCF-style: chr9-141006903-G-A.
Other names: c.5482G>A, p.Val1828Met (NM_001243812.2); short protein forms V1828M.
Identifiers: ClinVar variation 2111265 (VCV002111265.4), dbSNP rs1376972955, ClinGen allele CA375815844.